The following is an entry in ClinVar:

ClinVar aggregate classification (germline): Uncertain significance (1 of 4 stars; one submission).

Allele frequency attached by ClinVar (database versions not stated): gnomAD exomes below 0.00001; ExAC 0.00001.

Submission:

Labcorp Genetics (formerly Invitae), Labcorp
Classification: Uncertain significance. Last evaluated: 2021-10-12. Review status: criteria provided, single submitter. Criteria: Invitae Variant Classification Sherloc (09022015). Collection method: clinical testing. Allele origin: germline.
Comment: In summary, the available evidence is currently insufficient to determine the role of this variant in disease. Therefore, it has been classified as a Variant of Uncertain Significance. Algorithms developed to predict the effect of missense changes on protein structure and function output the following: SIFT: "Tolerated"; PolyPhen-2: "Benign"; Align-GVGD: "Class C0". The serine amino acid residue is found in multiple mammalian species, which suggests that this missense change does not adversely affect protein function. This variant has not been reported in the literature in individuals affected with USH2A-related conditions. This variant is present in population databases (rs754413984, ExAC 0.001%). This sequence change replaces arginine with serine at codon 4739 of the USH2A protein (p.Arg4739Ser). The arginine residue is weakly conserved and there is a moderate physicochemical difference between arginine and serine.

NM_206933.4(USH2A):c.14217A>T (p.Arg4739Ser)

Gene: USH2A (usherin; minus strand). Cytogenetic location: 1q41.
Variant type: single nucleotide variant.
Coding change: c.14217A>T on transcript NM_206933.4 (MANE Select); coding-DNA position 14217, A replaced by T.
Protein change: p.Arg4739Ser; replaces arginine 4739 with serine.
Molecular consequence: missense variant.
Genome position (GRCh38, 1-based): chr1:215,650,718, T>A on the plus strand (A>T on the coding strand, the complement: USH2A is on the minus strand). VCF-style: chr1-215650718-T-A. GRCh37 (hg19) VCF-style: chr1-215824060-T-A.
Other names: short protein forms R4739S.
Identifiers: ClinVar variation 1524859 (VCV001524859.6), dbSNP rs754413984, ClinGen allele CA1393091.